The following is an entry in ClinVar:

NM_032043.3(BRIP1):c.2573C>G (p.Ser858Cys)

Gene: BRIP1 (BRCA1 interacting DNA helicase 1; minus strand). Cytogenetic location: 17q23.2.
Variant type: single nucleotide variant.
Coding change: c.2573C>G on transcript NM_032043.3 (MANE Select); coding-DNA position 2573, C replaced by G.
Protein change: p.Ser858Cys; replaces serine 858 with cysteine.
Molecular consequence: missense variant.
Genome position (GRCh38, 1-based): chr17:61,693,432, G>C on the plus strand (C>G on the coding strand, the complement: BRIP1 is on the minus strand). VCF-style: chr17-61693432-G-C. GRCh37 (hg19) VCF-style: chr17-59770793-G-C.
Other names: short protein forms S858C.
Identifiers: ClinVar variation 1793274 (VCV001793274.2), dbSNP rs1064793893, ClinGen allele CA400482309.

ClinVar aggregate classification (germline): Uncertain significance (1 of 4 stars; one submission).

Conditions:
Hereditary cancer-predisposing syndrome. Also called: Tumor predisposition; Hereditary Cancer Syndrome; Neoplastic Syndromes, Hereditary; Hereditary neoplastic syndrome. Identifiers: Orphanet 140162, MedGen C0027672, MeSH D009386, MONDO:0015356.

Allele frequency attached by ClinVar (database versions not stated): gnomAD exomes below 0.00001.
gnomAD v4.1: 1 of 1,611,982 alleles (0.000062%); highest among the groups gnomAD compares: Non-Finnish European, 0.000085%; no homozygotes.

Submission:

Ambry Genetics
Classification: Uncertain significance for Hereditary cancer-predisposing syndrome. Last evaluated: 2020-09-10. Review status: criteria provided, single submitter. Criteria: Ambry Variant Classification Scheme 2023. Collection method: clinical testing. Allele origin: germline.
Comment: The p.S858C variant (also known as c.2573C>G), located in coding exon 17 of the BRIP1 gene, results from a C to G substitution at nucleotide position 2573. The serine at codon 858 is replaced by cysteine, an amino acid with dissimilar properties. This amino acid position is well conserved in available vertebrate species. In addition, the in silico prediction for this alteration is inconclusive. Since supporting evidence is limited at this time, the clinical significance of this alteration remains unclear.